The following is an entry in ClinVar:

NM_001378418.1(TCF20):c.914T>C (p.Ile305Thr)

Gene: TCF20 (transcription factor 20; minus strand). Cytogenetic location: 22q13.2.
Variant type: single nucleotide variant.
Coding change: c.914T>C on transcript NM_001378418.1 (MANE Select); coding-DNA position 914, T replaced by C.
Protein change: p.Ile305Thr; replaces isoleucine 305 with threonine.
Molecular consequence: missense variant.
Genome position (GRCh38, 1-based): chr22:42,214,392, A>G on the plus strand (T>C on the coding strand, the complement: TCF20 is on the minus strand). VCF-style: chr22-42214392-A-G. GRCh37 (hg19) VCF-style: chr22-42610398-A-G.
Other names: c.914T>C, p.Ile305Thr (NM_005650.4, NM_181492.3); short protein forms I305T.
Identifiers: ClinVar variation 5037267 (VCV005037267.1).

ClinVar aggregate classification (germline): Uncertain significance (1 of 4 stars; one submission).

Submission:

GeneDx
Classification: Uncertain significance. Last evaluated: 2026-04-15. Review status: criteria provided, single submitter. Criteria: GeneDx Variant Classification Process June 2021. Collection method: clinical testing. Allele origin: germline.
Comment: Not observed at significant frequency in large population cohorts (gnomAD); In silico analysis suggests that this missense variant does not alter protein structure/function; Has not been previously published as pathogenic or benign to our knowledge